The following is an entry in ClinVar:

ClinVar aggregate classification (germline): Uncertain significance (1 of 4 stars; one submission).

gnomAD v4.1: 1 of 1,614,254 alleles (0.000062%); highest among the groups gnomAD compares: Admixed American, 0.0017%; no homozygotes.

Submission:

Labcorp Genetics (formerly Invitae), Labcorp
Classification: Uncertain significance. Last evaluated: 2021-07-26. Review status: criteria provided, single submitter. Criteria: Invitae Variant Classification Sherloc (09022015). Collection method: clinical testing. Allele origin: germline.
Comment: In summary, the available evidence is currently insufficient to determine the role of this variant in disease. Therefore, it has been classified as a Variant of Uncertain Significance. Algorithms developed to predict the effect of missense changes on protein structure and function are either unavailable or do not agree on the potential impact of this missense change (SIFT: "Deleterious"; PolyPhen-2: "Possibly Damaging"; Align-GVGD: "Class C0"). This variant has not been reported in the literature in individuals affected with ALPK3-related conditions. This variant is not present in population databases (ExAC no frequency). This sequence change replaces serine with tyrosine at codon 703 of the ALPK3 protein (p.Ser703Tyr). The serine residue is weakly conserved and there is a large physicochemical difference between serine and tyrosine.

NM_020778.5(ALPK3):c.1502C>A (p.Ser501Tyr)

Genes: ALPK3 (alpha kinase 3; plus strand), LOC111718493 (skeletal muscle cis-regulatory module overlapping ALPK3; plus strand). Cytogenetic location: 15q25.3.
Variant type: single nucleotide variant.
Coding change: c.1502C>A on transcript NM_020778.5 (MANE Select); coding-DNA position 1502, C replaced by A.
Protein change: p.Ser501Tyr; replaces serine 501 with tyrosine.
Molecular consequence: missense variant.
Genome position (GRCh38, 1-based): chr15:84,840,781, C>A. VCF-style: chr15-84840781-C-A. GRCh37 (hg19) VCF-style: chr15-85384012-C-A.
Other names: short protein forms S501Y.
Identifiers: ClinVar variation 1369833 (VCV001369833.8), dbSNP rs1963654211, ClinGen allele CA393375762.
Genomic context (GRCh38, chr15:84,840,781, plus strand): 5'-AGAGATTTGCCCCTCCAAAGCCCAAAGGAGAGGCCACCACTGACAGCAAGCCCATTTCTT[C>A]TCTGAGTCAAGCTCCAGAATGCGGGGCCCAGAGCTTAGGAAAGGCCCCACCTCAGGCCTC-3'
Protein context (NP_065829.4, residues 491-511): EATTDSKPIS[Ser501Tyr]LSQAPECGAQ